The following is an entry in ClinVar:

ClinVar aggregate classification (germline): Uncertain significance (1 of 4 stars; one submission).

Conditions:
Primary ciliary dyskinesia. Also called: Ciliary dyskinesia. Identifiers: Orphanet 244, MedGen C0008780, MONDO:0016575, HP:0012265.

gnomAD v4.1: 1 of 1,610,674 alleles (0.000062%); highest among the groups gnomAD compares: Non-Finnish European, 0.000085%; no homozygotes.

Submission:

Labcorp Genetics (formerly Invitae), Labcorp
Classification: Uncertain significance for Primary ciliary dyskinesia. Last evaluated: 2025-10-09. Review status: criteria provided, single submitter. Criteria: Invitae Variant Classification Sherloc (09022015). Collection method: clinical testing. Allele origin: germline.
Comment: This sequence change replaces serine, which is neutral and polar, with tryptophan, which is neutral and slightly polar, at codon 17 of the CCDC40 protein (p.Ser17Trp). This variant is not present in population databases (gnomAD no frequency). This missense change has been observed in individual(s) with primary ciliary dyskinesia (PMID: 32502479). An algorithm developed to predict the effect of missense changes on protein structure and function outputs the following: PolyPhen-2: "Benign". The tryptophan amino acid residue is found in multiple mammalian species, which suggests that this missense change does not adversely affect protein function. Algorithms developed to predict the effect of sequence changes on RNA splicing suggest that this variant may disrupt the consensus splice site. In summary, the available evidence is currently insufficient to determine the role of this variant in disease. Therefore, it has been classified as a Variant of Uncertain Significance.

Literature cited by the submitters: PubMed 32502479.

NM_017950.4(CCDC40):c.50C>G (p.Ser17Trp)

Gene: CCDC40 (coiled-coil domain 40 molecular ruler complex subunit; plus strand). Cytogenetic location: 17q25.3.
Variant type: single nucleotide variant.
Coding change: c.50C>G on transcript NM_017950.4 (MANE Select); coding-DNA position 50, C replaced by G.
Protein change: p.Ser17Trp; replaces serine 17 with tryptophan.
Molecular consequence: missense variant.
Genome position (GRCh38, 1-based): chr17:80,038,143, C>G. VCF-style: chr17-80038143-C-G. GRCh37 (hg19) VCF-style: chr17-78011942-C-G.
Other names: c.50C>G, p.Ser17Trp (NM_001243342.2, NM_001330508.2); short protein forms S17W.
Identifiers: ClinVar variation 4706584 (VCV004706584.1).